The following is an entry in ClinVar:

NM_152327.5(AK7):c.82T>A (p.Tyr28Asn)

Gene: AK7 (adenylate kinase 7; plus strand). Cytogenetic location: 14q32.2.
Variant type: single nucleotide variant.
Coding change: c.82T>A on transcript NM_152327.5 (MANE Select); coding-DNA position 82, T replaced by A.
Protein change: p.Tyr28Asn; replaces tyrosine 28 with asparagine.
Molecular consequence: missense variant.
Genome position (GRCh38, 1-based): chr14:96,392,236, T>A. VCF-style: chr14-96392236-T-A. GRCh37 (hg19) VCF-style: chr14-96858573-T-A.
Other names: c.82T>A, p.Tyr28Asn (NM_001350888.2, NM_001350890.2, NM_001350891.2 and 1 more transcripts); short protein forms Y28N.
Identifiers: ClinVar variation 2899872 (VCV002899872.1), dbSNP rs1325974330, ClinGen allele CA390911246.

ClinVar aggregate classification (germline): Uncertain significance (1 of 4 stars; one submission).

Submission:

Labcorp Genetics (formerly Invitae), Labcorp
Classification: Uncertain significance. Last evaluated: 2023-12-09. Review status: criteria provided, single submitter. Criteria: Invitae Variant Classification Sherloc (09022015). Collection method: clinical testing. Allele origin: germline.
Comment: This sequence change replaces tyrosine, which is neutral and polar, with asparagine, which is neutral and polar, at codon 28 of the AK7 protein (p.Tyr28Asn). This variant is present in population databases (no rsID available, gnomAD 0.0009%). This variant has not been reported in the literature in individuals affected with AK7-related conditions. Advanced modeling of protein sequence and biophysical properties (such as structural, functional, and spatial information, amino acid conservation, physicochemical variation, residue mobility, and thermodynamic stability) performed at Invitae indicates that this missense variant is expected to disrupt AK7 protein function with a positive predictive value of 80%. In summary, the available evidence is currently insufficient to determine the role of this variant in disease. Therefore, it has been classified as a Variant of Uncertain Significance.